The following is an entry in ClinVar:

NM_000020.3(ACVRL1):c.631G>T (p.Gly211Cys)

Gene: ACVRL1 (activin A receptor like type 1; plus strand). Cytogenetic location: 12q13.13.
Variant type: single nucleotide variant.
Coding change: c.631G>T on transcript NM_000020.3 (MANE Select); coding-DNA position 631, G replaced by T.
Protein change: p.Gly211Cys; replaces glycine 211 with cysteine.
Molecular consequence: missense variant.
Genome position (GRCh38, 1-based): chr12:51,914,444, G>T. VCF-style: chr12-51914444-G-T. GRCh37 (hg19) VCF-style: chr12-52308228-G-T.
Other names: c.631G>T, p.Gly211Cys (NM_001077401.2); short protein forms G211C.
Identifiers: ClinVar variation 952631 (VCV000952631.4), dbSNP rs1940780439, ClinGen allele CA384899957.

ClinVar aggregate classification (germline): Pathogenic (1 of 4 stars; one submission).

Conditions:
Telangiectasia, hereditary hemorrhagic, type 2 (HHT2). Also called: ACVRL1-Related Hereditary Hemorrhagic Telangiectasia; Telangiectasia, hereditary hemorrhagic, type II. Identifiers: Orphanet 774, MedGen C1838163, MONDO:0010880, OMIM 600376. Disease mechanism: loss of function.

Submission:

Labcorp Genetics (formerly Invitae), Labcorp
Classification: Pathogenic for Telangiectasia, hereditary hemorrhagic, type 2. Last evaluated: 2023-08-10. Review status: criteria provided, single submitter. Criteria: Invitae Variant Classification Sherloc (09022015). Collection method: clinical testing. Allele origin: germline.
Comment: Advanced modeling of protein sequence and biophysical properties (such as structural, functional, and spatial information, amino acid conservation, physicochemical variation, residue mobility, and thermodynamic stability) performed at Invitae indicates that this missense variant is expected to disrupt ACVRL1 protein function. This variant disrupts the p.Gly211 amino acid residue in ACVRL1. Other variant(s) that disrupt this residue have been observed in individuals with ACVRL1-related conditions (PMID: 14684682, 29743074), which suggests that this may be a clinically significant amino acid residue. For these reasons, this variant has been classified as Pathogenic. ClinVar contains an entry for this variant (Variation ID: 952631). This sequence change replaces glycine, which is neutral and non-polar, with cysteine, which is neutral and slightly polar, at codon 211 of the ACVRL1 protein (p.Gly211Cys). This variant is not present in population databases (gnomAD no frequency). This missense change has been observed in individual(s) with clinical features of hereditary hemorrhagic telangiectasia (PMID: 25970827; Invitae).

Literature cited by the submitters: PubMed 14684682; PubMed 29743074; PubMed 25970827.